The following is an entry in ClinVar:

NM_007294.4(BRCA1):c.4365_4369del (p.Leu1455fs)

Gene: BRCA1 (BRCA1 DNA repair associated; minus strand). Cytogenetic location: 17q21.31.
Variant type: Deletion.
Coding change: c.4365_4369del on transcript NM_007294.4 (MANE Select); coding-DNA positions 4365 to 4369, 5 bases deleted (AACTT; older notation c.4365_4369delAACTT).
Protein change: p.Leu1455fs; shifts the reading frame from leucine 1455.
Molecular consequence: frameshift variant. On other transcripts: non-coding transcript variant (1).
Genome position (GRCh38, 1-based): chr17:43,076,603-43,076,607, AAGTT deleted on the plus strand (AACTT on the coding strand, the reverse complement: BRCA1 is on the minus strand); deleting any 5 consecutive bases within chr17:43,076,603-43,076,609 gives the same sequence; the c. name uses the placement nearest the transcript's 3' end. VCF-style (leftmost placement, unchanged base first): chr17-43076602-GAAGTT-G. GRCh37 (hg19) VCF-style: chr17-41228619-GAAGTT-G.
Other names: c.913_917delTTAAC, p.Leu305Phefs (NM_001408454.1, NM_001408455.1, NM_001408456.1 and 3 more transcripts); c.910_914delTTAAC, p.Leu304Phefs (NM_001408458.1, NM_001408459.1, NM_001408460.1 and 7 more transcripts); c.4219_4223delTTAAC, p.Leu1407Phefs (NM_001407740.1, NM_001407741.1, NM_001407742.1 and 21 more transcripts); c.4216_4220delTTAAC, p.Leu1406Phefs (NM_001407838.1, NM_001407839.1, NM_001407841.1 and 12 more transcripts); c.4363_4367delTTAAC, p.Leu1455Phefs (NM_001407854.1, NM_001407593.1, NM_001407594.1 and 8 more transcripts); c.4360_4364delTTAAC, p.Leu1454Phefs (NM_001407858.1, NM_001407859.1, NM_001407860.1 and 17 more transcripts); c.4357_4361delTTAAC, p.Leu1453Phefs (NM_001407861.1, NM_001407627.1, NM_001407628.1 and 14 more transcripts); c.4162_4166delTTAAC, p.Leu1388Phefs (NM_001407862.1); and 72 more; short protein forms L351fs, L1476fs, L1408fs, L1455fs.
Identifiers: ClinVar variation 1740044 (VCV001740044.2), dbSNP rs2551692654, ClinGen allele CA2580094445.

ClinVar aggregate classification (germline): Pathogenic (1 of 4 stars; one submission).

Conditions:
Hereditary cancer-predisposing syndrome. Also called: Hereditary Cancer Syndrome; Hereditary neoplastic syndrome; Neoplastic Syndromes, Hereditary; Tumor predisposition. Identifiers: Orphanet 140162, MedGen C0027672, MeSH D009386, MONDO:0015356.

Submission:

Ambry Genetics
Classification: Pathogenic for Hereditary cancer-predisposing syndrome. Last evaluated: 2022-06-10. Review status: criteria provided, single submitter. Criteria: Ambry Variant Classification Scheme 2023. Collection method: clinical testing. Allele origin: germline.
Comment: The c.4365_4369delAACTT pathogenic mutation, located in coding exon 12 of the BRCA1 gene, results from a deletion of 5 nucleotides at nucleotide positions 4365 to 4369, causing a translational frameshift with a predicted alternate stop codon (p.L1455Ffs*5). This alteration is expected to result in loss of function by premature protein truncation or nonsense-mediated mRNA decay. As such, this alteration is interpreted as a disease-causing mutation.